The following is an entry in ClinVar:

NM_006343.3(MERTK):c.2603dup (p.Asp869fs)

Gene: MERTK (MER proto-oncogene, tyrosine kinase; plus strand). Cytogenetic location: 2q13.
Variant type: Duplication.
Coding change: c.2603dup on transcript NM_006343.3 (MANE Select); coding-DNA position 2603, one base duplicated (C; older notation c.2603dupC).
Protein change: p.Asp869fs; shifts the reading frame from aspartic acid 869.
Molecular consequence: frameshift variant.
Genome position (GRCh38, 1-based): chr2:112,028,467, C duplicated. VCF-style (leftmost placement, unchanged base first): chr2-112028466-G-GC. GRCh37 (hg19) VCF-style: chr2-112786043-G-GC.
Other names: c.2603dupC (NM_006343.2); short protein forms D869fs.
Identifiers: ClinVar variation 1040493 (VCV001040493.7), dbSNP rs751437121, ClinGen allele CA1831934.

ClinVar aggregate classification (germline): Uncertain significance. Review status: criteria provided, multiple submitters, no conflicts (2 of 4 stars). 2 submissions from 2 submitters: Uncertain significance (2). Last evaluated 2025-10-20.

Conditions:
MERTK-related disorder. Also called: MERTK-related condition.

Allele frequency attached by ClinVar (database versions not stated): gnomAD 0.00001 and 0.00002; gnomAD exomes 0.00002 and 0.00003; TOPMed 0.00002; ExAC 0.00003; 1000 Genomes Project 30x 0.00016; ESP Exome Variant Server 0.00024.

Submissions (2):

PreventionGenetics, part of Exact Sciences
Classification: Uncertain significance for MERTK-related condition. Last evaluated: 2025-10-20. Review status: criteria provided, single submitter. Criteria: ACMG Guidelines, 2015. Collection method: clinical testing. Allele origin: germline.
Comment: The MERTK c.2603dupC variant is predicted to result in a frameshift and premature protein termination (p.Asp869Argfs*14). To our knowledge, this variant has not been reported in the literature in a patient with MERTK related disorder. This variant is reported in 0.0080% of alleles in individuals of African descent in gnomAD. Although we suspect that this variant may be pathogenic, at this time, the clinical significance of this variant is uncertain due to the absence of conclusive functional and genetic evidence.

Labcorp Genetics (formerly Invitae), Labcorp
Classification: Uncertain significance. Last evaluated: 2022-05-10. Review status: criteria provided, single submitter. Criteria: Invitae Variant Classification Sherloc (09022015). Collection method: clinical testing. Allele origin: germline.
Comment: This sequence change creates a premature translational stop signal (p.Asp869Argfs*14) in the MERTK gene. While this is not anticipated to result in nonsense mediated decay, it is expected to disrupt the last 131 amino acid(s) of the MERTK protein. This variant is present in population databases (rs751437121, gnomAD 0.008%). This variant has not been reported in the literature in individuals affected with MERTK-related conditions. ClinVar contains an entry for this variant (Variation ID: 1040493). This variant disrupts the C-terminus of the MERTK protein. Other variant(s) that disrupt this region (p.Asn874Ilefs*22) have been observed in individuals with MERTK-related conditions (Invitae). This suggests that this may be a clinically significant region of the protein. In summary, the available evidence is currently insufficient to determine the role of this variant in disease. Therefore, it has been classified as a Variant of Uncertain Significance.